The following is an entry in ClinVar:

ClinVar aggregate classification (germline): Uncertain significance. Review status: criteria provided, multiple submitters, no conflicts (2 of 4 stars). 2 submissions from 2 submitters: Uncertain significance (2). Last evaluated 2025-06-11.

Conditions:
CHARGE syndrome (CHARGE). Also called: Hittner Hirsch Kreh syndrome; CHARGE ASSOCIATION--COLOBOMA, HEART ANOMALY, CHOANAL ATRESIA, RETARDATION, GENITAL AND EAR ANOMALIES; Coloboma, heart anomaly, choanal atresia, retardation, genital and ear anomalies; CHARGE association; Hall-Hittner syndrome. Identifiers: Orphanet 138, MedGen C0265354, MONDO:0008965.

Submissions (2):

Labcorp Genetics (formerly Invitae), Labcorp
Classification: Uncertain significance for CHARGE syndrome. Last evaluated: 2025-06-11. Review status: criteria provided, single submitter. Criteria: Invitae Variant Classification Sherloc (09022015). Collection method: clinical testing. Allele origin: germline.
Comment: This sequence change replaces asparagine, which is neutral and polar, with lysine, which is basic and polar, at codon 356 of the CHD7 protein (p.Asn356Lys). This variant is not present in population databases (gnomAD no frequency). This variant has not been reported in the literature in individuals affected with CHD7-related conditions. ClinVar contains an entry for this variant (Variation ID: 2637470). Invitae Evidence Modeling of protein sequence and biophysical properties (such as structural, functional, and spatial information, amino acid conservation, physicochemical variation, residue mobility, and thermodynamic stability) indicates that this missense variant is not expected to disrupt CHD7 protein function with a negative predictive value of 95%. In summary, the available evidence is currently insufficient to determine the role of this variant in disease. Therefore, it has been classified as a Variant of Uncertain Significance.

Women's Health and Genetics/Laboratory Corporation of America, LabCorp
Classification: Uncertain significance. Last evaluated: 2023-10-25. Review status: criteria provided, single submitter. Criteria: LabCorp Variant Classification Summary - May 2015. Collection method: clinical testing. Allele origin: germline.
Comment: Variant summary: CHD7 c.1068C>G (p.Asn356Lys) results in a non-conservative amino acid change in the encoded protein sequence. Three of five in-silico tools predict a benign effect of the variant on protein function. The variant was absent in 249302 control chromosomes. The available data on variant occurrences in the general population are insufficient to allow any conclusion about variant significance. To our knowledge, no occurrence of c.1068C>G in individuals affected with Hypogonadotropic Hypogonadism 5 With Or Without Anosmia and no experimental evidence demonstrating its impact on protein function have been reported. No submitters have cited clinical-significance assessments for this variant to ClinVar after 2014. Based on the evidence outlined above, the variant was classified as uncertain significance.

NM_017780.4(CHD7):c.1068C>G (p.Asn356Lys)

Gene: CHD7 (chromodomain helicase DNA binding protein 7; plus strand). Cytogenetic location: 8q12.2.
Variant type: single nucleotide variant.
Coding change: c.1068C>G on transcript NM_017780.4 (MANE Select); coding-DNA position 1068, C replaced by G.
Protein change: p.Asn356Lys; replaces asparagine 356 with lysine.
Molecular consequence: missense variant.
Genome position (GRCh38, 1-based): chr8:60,742,500, C>G. VCF-style: chr8-60742500-C-G. GRCh37 (hg19) VCF-style: chr8-61655059-C-G.
Other names: c.1068C>G, p.Asn356Lys (NM_001316690.1); short protein forms N356K.
Identifiers: ClinVar variation 2637470 (VCV002637470.4), dbSNP rs1271318068, ClinGen allele CA371301100.